The following is an entry in ClinVar:

ClinVar aggregate classification (germline): Uncertain significance (1 of 4 stars; one submission).

Conditions:
Familial hypobetalipoproteinemia 1. Also called: APOB-Related Familial Hypobetalipoproteinemia; Hypobetalipoproteinemia, normotriglyceridemic; Acanthocytosis with hypobetalipoproteinemia. Identifiers: MedGen C4551990, MONDO:0014252, OMIM 615558.
Hypercholesterolemia, autosomal dominant, type B (FHCL2). Also called: Hyperlipoproteinemia Type IIb; Familial Hypercholesterolemia Type B; APOLIPOPROTEIN B-100, FAMILIAL DEFECTIVE; APOLIPOPROTEIN B-100, FAMILIAL LIGAND-DEFECTIVE; HYPERCHOLESTEROLEMIA, FAMILIAL, DUE TO LIGAND-DEFECTIVE APOLIPOPROTEIN B; APOB-Related Familial Hypercholesterolemia, Autosomal Dominant. Identifiers: MedGen C1704417, MONDO:0007751, OMIM 144010.

Allele frequency attached by ClinVar (database versions not stated): TOPMed below 0.00001; gnomAD 0.00001; gnomAD exomes 0.00001.
gnomAD v4.1: 7 of 1,613,726 alleles (0.00043%); highest among the groups gnomAD compares: Non-Finnish European, 0.00059%; no homozygotes.

Submission:

Labcorp Genetics (formerly Invitae), Labcorp
Classification: Uncertain significance for Familial hypobetalipoproteinemia 1; Hypercholesterolemia, autosomal dominant, type B. Last evaluated: 2023-07-17. Review status: criteria provided, single submitter. Criteria: Invitae Variant Classification Sherloc (09022015). Collection method: clinical testing. Allele origin: germline.
Comment: This variant has not been reported in the literature in individuals affected with APOB-related conditions. In summary, the available evidence is currently insufficient to determine the role of this variant in disease. Therefore, it has been classified as a Variant of Uncertain Significance. Advanced modeling of protein sequence and biophysical properties (such as structural, functional, and spatial information, amino acid conservation, physicochemical variation, residue mobility, and thermodynamic stability) performed at Invitae indicates that this missense variant is not expected to disrupt APOB protein function. ClinVar contains an entry for this variant (Variation ID: 2155920). This variant is not present in population databases (gnomAD no frequency). This sequence change replaces histidine, which is basic and polar, with tyrosine, which is neutral and polar, at codon 2366 of the APOB protein (p.His2366Tyr).

NM_000384.3(APOB):c.7096C>T (p.His2366Tyr)

Gene: APOB (apolipoprotein B; minus strand). Cytogenetic location: 2p24.1.
Variant type: single nucleotide variant.
Coding change: c.7096C>T on transcript NM_000384.3 (MANE Select); coding-DNA position 7096, C replaced by T.
Protein change: p.His2366Tyr; replaces histidine 2366 with tyrosine.
Molecular consequence: missense variant.
Genome position (GRCh38, 1-based): chr2:21,009,772, G>A on the plus strand (C>T on the coding strand, the complement: APOB is on the minus strand). VCF-style: chr2-21009772-G-A. GRCh37 (hg19) VCF-style: chr2-21232644-G-A.
Other names: short protein forms H2366Y.
Identifiers: ClinVar variation 2155920 (VCV002155920.4), dbSNP rs1663254035, ClinGen allele CA345998130.
Genomic context (GRCh38, chr2:21,009,772, plus strand): 5'-TCTTAACTTGTTGTAGGACATTGCTTAGCTTCTGAATAGTCTCCTTCAACTTGTATTGGT[G>A]GGCCAACTCTACTAATTTATCCATTAAAACCTGGATTTGTTGGTCTACTTCATACCTCTC-3'
Protein context (NP_000375.3, residues 2356-2376): VLMDKLVELA[His2366Tyr]QYKLKETIQK